The following is an entry in ClinVar:

ClinVar aggregate classification (germline): Uncertain significance (1 of 4 stars; one submission).

Conditions:
Hereditary nonpolyposis colorectal neoplasms. Identifiers: MedGen C0009405, MeSH D003123.

Submission:

Labcorp Genetics (formerly Invitae), Labcorp
Classification: Uncertain significance for Hereditary nonpolyposis colorectal neoplasms. Last evaluated: 2019-12-12. Review status: criteria provided, single submitter. Criteria: Invitae Variant Classification Sherloc (09022015). Collection method: clinical testing. Allele origin: germline.
Comment: In summary, the available evidence is currently insufficient to determine the role of this variant in disease. Therefore, it has been classified as a Variant of Uncertain Significance. Algorithms developed to predict the effect of missense changes on protein structure and function (SIFT, PolyPhen-2, Align-GVGD) all suggest that this variant is likely to be disruptive, but these predictions have not been confirmed by published functional studies and their clinical significance is uncertain. This variant has not been reported in the literature in individuals with MSH6-related conditions. This variant is not present in population databases (ExAC no frequency). This sequence change replaces serine with arginine at codon 1188 of the MSH6 protein (p.Ser1188Arg). The serine residue is highly conserved and there is a moderate physicochemical difference between serine and arginine.

NM_000179.3(MSH6):c.3564T>A (p.Ser1188Arg)

Gene: MSH6 (mutS homolog 6; plus strand). Cytogenetic location: 2p16.3.
Variant type: single nucleotide variant.
Coding change: c.3564T>A on transcript NM_000179.3 (MANE Select); coding-DNA position 3564, T replaced by A.
Protein change: p.Ser1188Arg; replaces serine 1188 with arginine.
Molecular consequence: missense variant.
Genome position (GRCh38, 1-based): chr2:47,805,625, T>A. VCF-style: chr2-47805625-T-A. GRCh37 (hg19) VCF-style: chr2-48032764-T-A.
Other names: c.3174T>A, p.Ser1058Arg (NM_001281492.2); c.2658T>A, p.Ser886Arg (NM_001281493.2, NM_001281494.2); short protein forms S1188R, S886R, S1058R.
Identifiers: ClinVar variation 846478 (VCV000846478.10), dbSNP rs1669957613, ClinGen allele CA346760442.